The following is an entry in ClinVar:

ClinVar aggregate classification (germline): Pathogenic/Likely pathogenic. Review status: criteria provided, multiple submitters, no conflicts (2 of 4 stars). 2 submissions from 2 submitters: Pathogenic (1); Likely pathogenic (1). Last evaluated 2020-04-01.

Conditions:
Intellectual developmental disorder with autism and speech delay. Also called: Autism 5; Autism, susceptibility to, 5; PHRASE SPEECH DELAY, AUTISM-RELATED; AUTISM-RELATED SPEECH DELAY; AUTS5. Identifiers: MedGen C1853755, MONDO:0011627, OMIM 606053.

Submissions (2):

CeGaT Center for Human Genetics Tuebingen
Classification: Likely pathogenic. Last evaluated: 2020-04-01. Review status: criteria provided, single submitter. Criteria: CeGaT Center For Human Genetics Tuebingen Variant Classification Criteria Version 2. Collection method: clinical testing. Allele origin: germline. Affected: yes. Observed: 2 variant alleles.

Juno Genomics, Hangzhou Juno Genomics, Inc
Classification: Pathogenic for Intellectual developmental disorder with autism and speech delay. Review status: criteria provided, single submitter. Criteria: ACMG Guidelines, 2015. Collection method: clinical testing. Allele origin: germline. Affected: yes.
Comment: Absent from controls (or at extremely low frequency if recessive) in Genome Aggregation Database.;De novo (both maternity and paternity confirmed) in a patient with the disease and no family history.;Null variant in a gene where loss of function (LOF) is a known mechanism of disease.;The prevalence of the variant in affected individuals is significantly increased compared to the prevalence in controls.

NM_006593.4(TBR1):c.571C>T (p.Gln191Ter)

Gene: TBR1 (T-box brain transcription factor 1; plus strand). Cytogenetic location: 2q24.2.
Variant type: single nucleotide variant.
Coding change: c.571C>T on transcript NM_006593.4 (MANE Select); coding-DNA position 571, C replaced by T.
Protein change: p.Gln191Ter; replaces glutamine 191 with a stop codon.
Molecular consequence: nonsense.
Genome position (GRCh38, 1-based): chr2:161,416,981, C>T. VCF-style: chr2-161416981-C-T. GRCh37 (hg19) VCF-style: chr2-162273492-C-T.
Other names: short protein forms Q191*.
Identifiers: ClinVar variation 932374 (VCV000932374.40), dbSNP rs1553510186, ClinGen allele CA349211696.